The following is an entry in ClinVar:

ClinVar aggregate classification (germline): Uncertain significance. Review status: criteria provided, multiple submitters, no conflicts (2 of 4 stars). 2 submissions from 2 submitters: Uncertain significance (2). Last evaluated 2026-01-05.

Conditions:
Inborn genetic diseases. Identifiers: MedGen C0950123, MeSH D030342.

Allele frequency attached by ClinVar (database versions not stated): ExAC 0.00001; gnomAD exomes 0.00001; TOPMed 0.00001.
gnomAD v4.1: 16 of 1,613,970 alleles (0.00099%); highest among the groups gnomAD compares: Non-Finnish European, 0.0014%; no homozygotes.

Submissions (2):

Labcorp Genetics (formerly Invitae), Labcorp
Classification: Uncertain significance. Last evaluated: 2026-01-05. Review status: criteria provided, single submitter. Criteria: Invitae Variant Classification Sherloc (09022015). Collection method: clinical testing. Allele origin: germline.
Comment: This sequence change replaces proline, which is neutral and non-polar, with serine, which is neutral and polar, at codon 138 of the INTU protein (p.Pro138Ser). This variant is present in population databases (rs751047941, gnomAD 0.0009%). This variant has not been reported in the literature in individuals affected with INTU-related conditions. ClinVar contains an entry for this variant (Variation ID: 2175553). Invitae Evidence Modeling of protein sequence and biophysical properties (such as structural, functional, and spatial information, amino acid conservation, physicochemical variation, residue mobility, and thermodynamic stability) indicates that this missense variant is not expected to disrupt INTU protein function with a negative predictive value of 80%. In summary, the available evidence is currently insufficient to determine the role of this variant in disease. Therefore, it has been classified as a Variant of Uncertain Significance.

Ambry Genetics
Classification: Uncertain significance for Inborn genetic diseases. Last evaluated: 2025-08-05. Review status: criteria provided, single submitter. Criteria: Ambry Variant Classification Scheme 2023. Collection method: clinical testing. Allele origin: germline.

NM_015693.4(INTU):c.412C>T (p.Pro138Ser)

Gene: INTU (inturned planar cell polarity protein; plus strand). Cytogenetic location: 4q28.1.
Variant type: single nucleotide variant.
Coding change: c.412C>T on transcript NM_015693.4 (MANE Select); coding-DNA position 412, C replaced by T.
Protein change: p.Pro138Ser; replaces proline 138 with serine.
Molecular consequence: missense variant.
Genome position (GRCh38, 1-based): chr4:127,643,786, C>T. VCF-style: chr4-127643786-C-T. GRCh37 (hg19) VCF-style: chr4-128564941-C-T.
Other names: c.412C>T (NM_015693.3); short protein forms P138S.
Identifiers: ClinVar variation 2175553 (VCV002175553.5), dbSNP rs751047941, ClinGen allele CA3074783.